The following is an entry in ClinVar:

ClinVar aggregate classification (germline): Pathogenic (1 of 4 stars; one submission).

Conditions:
Hypophosphatasia. Also called: Phosphoethanol-aminuria. Identifiers: Orphanet 436, MedGen C0020630, MeSH D007014, MONDO:0018570.

Submission:

Genomenon, Inc
Classification: Pathogenic for Hypophosphatasia. Last evaluated: 2025-08-29. Review status: criteria provided, single submitter. Criteria: Genomenon Sequence Variant Interpretation Standards. Collection method: curation. Allele origin: germline. Affected: yes.
Comment: ALPL c.1190-2_1190-1inv is an inversion variant located in the canonical splice acceptor region of intron 10. This variant has been observed in at least one proband affected with hypophosphatasia (PMID:36361766). It is absent or not present at a significant frequency in gnomAD. In conclusion, we classify ALPL c.1190-2_1190-1inv as a pathogenic variant.

Literature cited by the submitters: PubMed 36361766.

NM_000478.6(ALPL):c.1190-2_1190-1inv

Gene: ALPL (alkaline phosphatase, biomineralization associated; plus strand). Cytogenetic location: 1p36.12.
Variant type: Inversion.
Coding change: c.1190-2_1190-1inv on transcript NM_000478.6 (MANE Select).
Molecular consequence: splice acceptor variant.
Genome position: GRCh38 VCF-style: chr1-21576520-AG-CT. GRCh37 (hg19) VCF-style: chr1-21903013-AG-CT.
Other names: c.1190-2_1190-1inv (NM_001369805.2, NM_001369804.2, NM_001369803.2); c.1025-2_1025-1inv (NM_001127501.4); c.959-2_959-1inv (NM_001177520.3).
Identifiers: ClinVar variation 4086875 (VCV004086875.1).